The following is an entry in ClinVar:

ClinVar aggregate classification (germline): Likely benign. Review status: criteria provided, multiple submitters, no conflicts (2 of 4 stars). 2 submissions from 2 submitters: Likely benign (2). Last evaluated 2026-02-01.

Allele frequency attached by ClinVar (database versions not stated): 1000 Genomes Project 30x 0.00016; 1000 Genomes Project 0.00020; ESP Exome Variant Server 0.00023.
gnomAD v4.1: 500 of 1,613,836 alleles (0.031%); highest among the groups gnomAD compares: Non-Finnish European, 0.039%; 1 homozygote.

Submissions (2):

CeGaT Center for Human Genetics Tuebingen
Classification: Likely benign. Last evaluated: 2026-02-01. Review status: criteria provided, single submitter. Criteria: CeGaT Center For Human Genetics Tuebingen Variant Classification Criteria Version 2. Collection method: clinical testing. Allele origin: germline. Affected: yes. Observed: 1 variant allele.
Comment: USP7: BP4, BP7

Labcorp Genetics (formerly Invitae), Labcorp
Classification: Likely benign. Last evaluated: 2023-10-30. Review status: criteria provided, single submitter. Criteria: Invitae Variant Classification Sherloc (09022015). Collection method: clinical testing. Allele origin: germline.

NM_003470.3(USP7):c.1926C>T (p.Ala642=)

Gene: USP7 (ubiquitin specific peptidase 7; minus strand). Cytogenetic location: 16p13.2.
Variant type: single nucleotide variant.
Coding change: c.1926C>T on transcript NM_003470.3 (MANE Select); coding-DNA position 1926, C replaced by T.
Protein change: p.Ala642=; no amino-acid change (alanine 642 retained).
Molecular consequence: synonymous variant. On other transcripts: non-coding transcript variant (1).
Genome position (GRCh38, 1-based): chr16:8,902,396, G>A on the plus strand (C>T on the coding strand, the complement: USP7 is on the minus strand). VCF-style: chr16-8902396-G-A. GRCh37 (hg19) VCF-style: chr16-8996253-G-A.
Other names: c.1878C>T, p.Ala626= (NM_001286457.2); c.1629C>T, p.Ala543= (NM_001286458.2); c.1752C>T, p.Ala584= (NM_001321858.2).
Identifiers: ClinVar variation 2179052 (VCV002179052.8), dbSNP rs140316737, ClinGen allele CA7895218.